The following is an entry in ClinVar:

ClinVar aggregate classification (germline): Conflicting classifications of pathogenicity. Review status: criteria provided, conflicting classifications (1 of 4 stars). 3 submissions from 3 submitters: Likely pathogenic (2); Uncertain significance (1). Last evaluated 2024-12-06.

Conditions:
Autosomal recessive spinocerebellar ataxia 14. Also called: CEREBELLAR ATAXIA, AUTOSOMAL RECESSIVE, SPECTRIN-ASSOCIATED, 1. Identifiers: Orphanet 352403, MedGen C4706415, MONDO:0014159, OMIM 615386.

Submissions (3):

GeneDx
Classification: Likely pathogenic. Last evaluated: 2024-12-06. Review status: criteria provided, single submitter. Criteria: GeneDx Variant Classification Process June 2021. Collection method: clinical testing. Allele origin: germline. Affected: yes.
Comment: In silico analysis supports that this missense variant has a deleterious effect on protein structure/function; Not observed at significant frequency in large population cohorts (gnomAD); Has not been previously published as pathogenic or benign to our knowledge

Labcorp Genetics (formerly Invitae), Labcorp
Classification: Uncertain significance. Last evaluated: 2024-03-11. Review status: criteria provided, single submitter. Criteria: Invitae Variant Classification Sherloc (09022015). Collection method: clinical testing. Allele origin: germline.
Comment: This sequence change replaces aspartic acid, which is acidic and polar, with valine, which is neutral and non-polar, at codon 1499 of the SPTBN2 protein (p.Asp1499Val). This variant is not present in population databases (gnomAD no frequency). This variant has not been reported in the literature in individuals affected with SPTBN2-related conditions. ClinVar contains an entry for this variant (Variation ID: 1034341). Advanced modeling of protein sequence and biophysical properties (such as structural, functional, and spatial information, amino acid conservation, physicochemical variation, residue mobility, and thermodynamic stability) performed at Invitae indicates that this missense variant is expected to disrupt SPTBN2 protein function with a positive predictive value of 80%. In summary, the available evidence is currently insufficient to determine the role of this variant in disease. Therefore, it has been classified as a Variant of Uncertain Significance.

Baylor Genetics
Classification: Likely pathogenic for Autosomal recessive spinocerebellar ataxia 14. Last evaluated: 2018-05-15. Review status: criteria provided, single submitter. Criteria: ACMG Guidelines, 2015. Collection method: clinical testing. Allele origin: de novo. Affected: yes.
Comment: This variant was determined to be likely pathogenic according to ACMG Guidelines, 2015 [PMID:25741868].

NM_006946.4(SPTBN2):c.4496A>T (p.Asp1499Val)

Gene: SPTBN2 (spectrin beta, non-erythrocytic 2; minus strand). Cytogenetic location: 11q13.2.
Variant type: single nucleotide variant.
Coding change: c.4496A>T on transcript NM_006946.4 (MANE Select); coding-DNA position 4496, A replaced by T.
Protein change: p.Asp1499Val; replaces aspartic acid 1499 with valine.
Molecular consequence: missense variant.
Genome position (GRCh38, 1-based): chr11:66,694,146, T>A on the plus strand (A>T on the coding strand, the complement: SPTBN2 is on the minus strand). VCF-style: chr11-66694146-T-A. GRCh37 (hg19) VCF-style: chr11-66461617-T-A.
Other names: short protein forms D1499V.
Identifiers: ClinVar variation 1034341 (VCV001034341.8), dbSNP rs1940755126, ClinGen allele CA381469900.
Genomic context (GRCh38, chr11:66,694,146, plus strand): 5'-TGGAGAACCACATGGCTGGGGGCAGCTTGCCGTCCTTGGCCCCAGTGACTCACAATCTCA[T>A]CTTCCACATCGCGGTGGAACTGGTGCTGCTCGCGAGAAGCCTGCAGGCGCCGGCAGCGTT-3'
Protein context (NP_008877.2, residues 1489-1509): EQHQFHRDVE[Asp1499Val]EILWVTERLP